The following is an entry in ClinVar:

NC_000009.11:g.(?_32985949)_(32986048_?)del

Gene: APTX (aprataxin; minus strand). Cytogenetic location: 9p21.1.
Variant type: Deletion.
Identifiers: ClinVar variation 2427533 (VCV002427533.4).

ClinVar aggregate classification (germline): Uncertain significance (1 of 4 stars; one submission).

Submission:

Labcorp Genetics (formerly Invitae), Labcorp
Classification: Uncertain significance. Last evaluated: 2022-06-23. Review status: criteria provided, single submitter. Criteria: Invitae Variant Classification Sherloc (09022015). Collection method: clinical testing. Allele origin: germline.
Comment: This variant is a gross deletion of the genomic region encompassing exon(s) 6 of the APTX gene. This variant would be expected to be in-frame, preserving the integrity of the reading frame. A similar copy number variant has been observed in individual(s) with APTX-related conditions (PMID: 29356829). In summary, the available evidence is currently insufficient to determine the role of this variant in disease. Therefore, it has been classified as a Variant of Uncertain Significance.

Literature cited by the submitters: PubMed 29356829.